The following is an entry in ClinVar:

NM_020975.6(RET):c.2403C>T (p.Leu801=)

Gene: RET (ret proto-oncogene; plus strand). Cytogenetic location: 10q11.21.
Variant type: single nucleotide variant.
Coding change: c.2403C>T on transcript NM_020975.6 (MANE Select); coding-DNA position 2403, C replaced by T.
Protein change: p.Leu801=; no amino-acid change (leucine 801 retained).
Molecular consequence: synonymous variant.
Genome position (GRCh38, 1-based): chr10:43,119,541, C>T. VCF-style: chr10-43119541-C-T. GRCh37 (hg19) VCF-style: chr10-43614989-C-T.
Other names: c.2403C>T, p.Leu801= (NM_000323.2, NM_001406743.1, NM_001406744.1 and 4 more transcripts); c.1641C>T, p.Leu547= (NM_001355216.2); c.2274C>T, p.Leu758= (NM_001406761.1, NM_001406762.1, NM_001406764.1); c.2268C>T, p.Leu756= (NM_001406763.1, NM_001406765.1); c.2115C>T, p.Leu705= (NM_001406766.1, NM_001406767.1, NM_001406770.1); c.2139C>T, p.Leu713= (NM_001406768.1); c.2007C>T, p.Leu669= (NM_001406769.1, NM_001406772.1); c.1965C>T, p.Leu655= (NM_001406771.1, NM_001406773.1); and 10 more.
Identifiers: ClinVar variation 486304 (VCV000486304.22), dbSNP rs1554819519, ClinGen allele CA469479710.
Genomic context (GRCh38, chr10:43,119,541, plus strand): 5'-ACCCAAGCTGCCTGACCCGCACGCCCAGGGCCCCCTCTCTCCGCCCCCAGGCCCGCTCCT[C>T]CTCATCGTGGAGTACGCCAAATACGGCTCCCTGCGGGGCTTCCTCCGCGAGAGCCGCAAA-3'
Protein context (NP_066124.1, residues 791-811): YGACSQDGPL[Leu801=]LIVEYAKYGS

ClinVar aggregate classification (germline): Conflicting classifications of pathogenicity. Review status: criteria provided, conflicting classifications (1 of 4 stars). 8 submissions from 5 submitters: Uncertain significance (4); Benign (1); Likely benign (3). Last evaluated 2025-07-24.

Conditions:
Pheochromocytoma. Also called: MAX-Related Hereditary Paraganglioma-Pheochromocytoma Syndrome. Identifiers: Orphanet 29072, MedGen C0031511, MONDO:0008233, OMIM 171300, HP:0002666.
Renal hypodysplasia/aplasia 1 (RHDA1). Also called: RENAL APLASIA; HEREDITARY RENAL APLASIA. Identifiers: Orphanet 411709, MedGen C1619700, MONDO:0024519, OMIM 191830.
Multiple endocrine neoplasia, type 2 (MEN2). Identifiers: Orphanet 653, MedGen C4048306, MONDO:0019003. Disease mechanism: gain of function.
Hirschsprung disease, susceptibility to, 1 (HSCR1). Also called: RET-Related Hirschsprung Disease. Identifiers: Orphanet 388, MedGen C3888239, MONDO:0007723, OMIM 142623.
Multiple endocrine neoplasia type 2A. Also called: Multiple Endocrine Neoplasia Type 2A (MEN2A); MULTIPLE ENDOCRINE NEOPLASIA, TYPE IIA; PTC SYNDROME; SIPPLE SYNDROME; MEN 2A; MEN-2A syndrome. Identifiers: Orphanet 247698, Orphanet 653, MedGen C0025268, MeSH D018813, MONDO:0008234, OMIM 171400.
Multiple endocrine neoplasia. Identifiers: Orphanet 276161, MedGen C0027662, MONDO:0017169.
Hereditary cancer-predisposing syndrome. Also called: Hereditary Cancer Syndrome; Hereditary neoplastic syndrome; Tumor predisposition; Neoplastic Syndromes, Hereditary. Identifiers: Orphanet 140162, MedGen C0027672, MeSH D009386, MONDO:0015356.

Allele frequency attached by ClinVar (database versions not stated): gnomAD exomes below 0.00001.
gnomAD v4.1: 1 of 1,602,994 alleles (0.000062%); highest among the groups gnomAD compares: Non-Finnish European, 0.000085%; no homozygotes.

Submissions (8):

Labcorp Genetics (formerly Invitae), Labcorp
Classification: Likely benign for Multiple endocrine neoplasia, type 2. Last evaluated: 2025-07-24. Review status: criteria provided, single submitter. Criteria: Invitae Variant Classification Sherloc (09022015). Collection method: clinical testing. Allele origin: germline.

Myriad Genetics, Inc.
Classification: Benign for Multiple endocrine neoplasia type 2A. Last evaluated: 2025-02-27. Review status: criteria provided, single submitter. Criteria: Myriad Autosomal Dominant, Autosomal Recessive and X-Linked Classification Criteria (2023). Collection method: clinical testing. Allele origin: unknown.
Comment: This variant is considered benign. This variant is a silent/synonymous amino acid change and it is not expected to impact splicing.

All of Us Research Program, National Institutes of Health
Classification: Likely benign for Multiple endocrine neoplasia, type 2. Last evaluated: 2023-09-04. Review status: criteria provided, single submitter. Criteria: ACMG Guidelines, 2015. Collection method: clinical testing. Allele origin: germline. Inheritance: Autosomal dominant inheritance. Observed: 3 variant alleles, 3 heterozygotes.
Comment: This study involves interpretation of variants in research participants for the purpose of population health screening. Participant phenotype was not available at the time of variant classification. Additional details can be found in publication PMID: 35346344, PMCID: PMC8962531

Illumina Laboratory Services, Illumina
Classification: Uncertain significance for Renal hypodysplasia/aplasia 1. Last evaluated: 2018-01-12. Review status: criteria provided, single submitter. Criteria: ICSL Variant Classification Criteria 13 December 2019. Collection method: clinical testing. Allele origin: germline.

Illumina Laboratory Services, Illumina
Classification: Uncertain significance for Hirschsprung disease, susceptibility to, 1. Last evaluated: 2018-01-12. Review status: criteria provided, single submitter. Criteria: ICSL Variant Classification Criteria 13 December 2019. Collection method: clinical testing. Allele origin: germline.

Illumina Laboratory Services, Illumina
Classification: Uncertain significance for Multiple endocrine neoplasia. Last evaluated: 2018-01-12. Review status: criteria provided, single submitter. Criteria: ICSL Variant Classification Criteria 13 December 2019. Collection method: clinical testing. Allele origin: germline.

Illumina Laboratory Services, Illumina
Classification: Uncertain significance for Pheochromocytoma. Last evaluated: 2018-01-12. Review status: criteria provided, single submitter. Criteria: ICSL Variant Classification Criteria 13 December 2019. Collection method: clinical testing. Allele origin: germline.

Ambry Genetics
Classification: Likely benign for Hereditary cancer-predisposing syndrome. Last evaluated: 2016-07-21. Review status: criteria provided, single submitter. Criteria: Ambry Variant Classification Scheme 2023. Collection method: clinical testing. Allele origin: germline.